The following is an entry in ClinVar:

NM_001365951.3(KIF1B):c.4155G>T (p.Leu1385Phe)

Gene: KIF1B (kinesin family member 1B; plus strand). Cytogenetic location: 1p36.22.
Variant type: single nucleotide variant.
Coding change: c.4155G>T on transcript NM_001365951.3 (MANE Select); coding-DNA position 4155, G replaced by T.
Protein change: p.Leu1385Phe; replaces leucine 1385 with phenylalanine.
Molecular consequence: missense variant.
Genome position (GRCh38, 1-based): chr1:10,361,028, G>T. VCF-style: chr1-10361028-G-T. GRCh37 (hg19) VCF-style: chr1-10421086-G-T.
Other names: c.4155G>T, p.Leu1385Phe (NM_001365952.1); c.4017G>T, p.Leu1339Phe (NM_015074.3); short protein forms L1339F, L1385F.
Identifiers: ClinVar variation 291578 (VCV000291578.14), dbSNP rs760253167, ClinGen allele CA581994.

ClinVar aggregate classification (germline): Conflicting classifications of pathogenicity. Review status: criteria provided, conflicting classifications (1 of 4 stars). 3 submissions from 3 submitters: Uncertain significance (1); Likely benign (2). Last evaluated 2024-10-20.

Conditions:
Charcot-Marie-Tooth disease type 2. Also called: Charcot-Marie-Tooth type 2. Identifiers: Orphanet 64746, MedGen C0270914, MONDO:0018993.
Neuroblastoma (NB). Identifiers: Orphanet 635, MedGen C0027819, MeSH D009447, MONDO:0005072, HP:0003006.

Allele frequency attached by ClinVar (database versions not stated): ExAC 0.00002; gnomAD 0.00001; TOPMed 0.00001; gnomAD exomes 0.00002.
gnomAD v4.1: 14 of 1,612,140 alleles (0.00087%); highest among the groups gnomAD compares: East Asian, 0.0067%; no homozygotes.

Submissions (3):

Labcorp Genetics (formerly Invitae), Labcorp
Classification: Uncertain significance for Charcot-Marie-Tooth disease type 2. Last evaluated: 2024-10-20. Review status: criteria provided, single submitter. Criteria: Invitae Variant Classification Sherloc (09022015). Collection method: clinical testing. Allele origin: germline.
Comment: This sequence change replaces leucine, which is neutral and non-polar, with phenylalanine, which is neutral and non-polar, at codon 1339 of the KIF1B protein (p.Leu1339Phe). This variant is present in population databases (rs760253167, gnomAD 0.02%). This variant has not been reported in the literature in individuals affected with KIF1B-related conditions. ClinVar contains an entry for this variant (Variation ID: 291578). An algorithm developed to predict the effect of missense changes on protein structure and function (PolyPhen-2) suggests that this variant is likely to be disruptive. In summary, the available evidence is currently insufficient to determine the role of this variant in disease. Therefore, it has been classified as a Variant of Uncertain Significance.

Ambry Genetics
Classification: Likely benign. Last evaluated: 2021-01-11. Review status: criteria provided, single submitter. Criteria: Ambry Variant Classification Scheme 2023. Collection method: clinical testing. Allele origin: germline.

Illumina Laboratory Services, Illumina
Classification: Likely benign for Neuroblastoma. Last evaluated: 2018-01-12. Review status: criteria provided, single submitter. Criteria: ICSL Variant Classification Criteria 13 December 2019. Collection method: clinical testing. Allele origin: germline.
Comment: This variant was observed in the ICSL laboratory as part of a predisposition screen in an ostensibly healthy population. It had not been previously curated by ICSL or reported in the Human Gene Mutation Database (HGMD: prior to June 1st, 2018), and was therefore a candidate for classification through an automated scoring system. Utilizing variant allele frequency, disease prevalence and penetrance estimates, and inheritance mode, an automated score was calculated to assess if this variant is too frequent to cause the disease. Based on the score and internal cut-off values, a variant classified as likely benign is not then subjected to further curation. The score for this variant resulted in a classification of likely benign for this disease.